The following is an entry in ClinVar:

NM_020366.4(RPGRIP1):c.1772A>G (p.Lys591Arg)

Gene: RPGRIP1 (RPGR interacting protein 1; plus strand). Cytogenetic location: 14q11.2.
Variant type: single nucleotide variant.
Coding change: c.1772A>G on transcript NM_020366.4 (MANE Select); coding-DNA position 1772, A replaced by G.
Protein change: p.Lys591Arg; replaces lysine 591 with arginine.
Molecular consequence: missense variant. On other transcripts: intron variant (3).
Genome position (GRCh38, 1-based): chr14:21,324,627, A>G. VCF-style: chr14-21324627-A-G. GRCh37 (hg19) VCF-style: chr14-21792786-A-G.
Other names: c.1772A>G (NM_020366.3); c.698A>G, p.Lys233Arg (NM_001377948.1, NM_001377949.1); c.688+2623A>G (NM_001377523.1, NM_001377950.1); c.190+2623A>G (NM_001377951.1); short protein forms K233R, K591R.
Identifiers: ClinVar variation 1062558 (VCV001062558.6), dbSNP rs745899255, ClinGen allele CA7089092.

ClinVar aggregate classification (germline): Uncertain significance. Review status: criteria provided, multiple submitters, no conflicts (2 of 4 stars). 3 submissions from 3 submitters: Uncertain significance (3). Last evaluated 2023-09-29.

Conditions:
Inborn genetic diseases. Identifiers: MedGen C0950123, MeSH D030342.
Cone-rod dystrophy 13 (CORD13). Identifiers: Orphanet 1872, MedGen C2750720, MONDO:0011987, OMIM 608194.
Leber congenital amaurosis 6 (LCA6). Identifiers: Orphanet 65, MedGen C1854260, MONDO:0013446, OMIM 613826.

Allele frequency attached by ClinVar (database versions not stated): ExAC 0.00006; gnomAD exomes 0.00006 and 0.00007; gnomAD 0.00008; TOPMed 0.00017.
gnomAD v4.1: 122 of 1,613,264 alleles (0.0076%); highest among the groups gnomAD compares: Admixed American, 0.037%; no homozygotes.

Submissions (3):

Blueprint Genetics
Classification: Uncertain significance. Last evaluated: 2023-09-29. Review status: criteria provided, single submitter. Criteria: ACMG Guidelines, 2015. Collection method: clinical testing. Allele origin: germline.

Labcorp Genetics (formerly Invitae), Labcorp
Classification: Uncertain significance for Leber congenital amaurosis 6; Cone-rod dystrophy 13. Last evaluated: 2022-08-23. Review status: criteria provided, single submitter. Criteria: Invitae Variant Classification Sherloc (09022015). Collection method: clinical testing. Allele origin: germline.
Comment: This sequence change replaces lysine, which is basic and polar, with arginine, which is basic and polar, at codon 591 of the RPGRIP1 protein (p.Lys591Arg). This variant is present in population databases (rs745899255, gnomAD 0.02%). This variant has not been reported in the literature in individuals affected with RPGRIP1-related conditions. ClinVar contains an entry for this variant (Variation ID: 1062558). Algorithms developed to predict the effect of missense changes on protein structure and function output the following: SIFT: "Tolerated"; PolyPhen-2: "Benign"; Align-GVGD: "Class C0". The arginine amino acid residue is found in multiple mammalian species, which suggests that this missense change does not adversely affect protein function. In summary, the available evidence is currently insufficient to determine the role of this variant in disease. Therefore, it has been classified as a Variant of Uncertain Significance.

Ambry Genetics
Classification: Uncertain significance for Inborn genetic diseases. Last evaluated: 2021-08-23. Review status: criteria provided, single submitter. Criteria: Ambry Variant Classification Scheme 2023. Collection method: clinical testing. Allele origin: germline.